The following is an entry in ClinVar:

NM_000293.3(PHKB):c.942C>A (p.Ser314Arg)

Gene: PHKB (phosphorylase kinase regulatory subunit beta; plus strand). Cytogenetic location: 16q12.1.
Variant type: single nucleotide variant.
Coding change: c.942C>A on transcript NM_000293.3 (MANE Select); coding-DNA position 942, C replaced by A.
Protein change: p.Ser314Arg; replaces serine 314 with arginine.
Molecular consequence: missense variant.
Genome position (GRCh38, 1-based): chr16:47,588,976, C>A. VCF-style: chr16-47588976-C-A. GRCh37 (hg19) VCF-style: chr16-47622887-C-A.
Other names: c.921C>A, p.Ser307Arg (NM_001031835.3); c.942C>A, p.Ser314Arg (NM_001363837.1); c.942C>A (NM_000293.2); short protein forms S307R, S314R.
Identifiers: ClinVar variation 1426325 (VCV001426325.6), dbSNP rs775139159, ClinGen allele CA8040663.

ClinVar aggregate classification (germline): Uncertain significance. Review status: criteria provided, multiple submitters, no conflicts (2 of 4 stars). 2 submissions from 2 submitters: Uncertain significance (2). Last evaluated 2021-08-14.

Conditions:
Glycogen storage disease IXb (GSD9B). Also called: PHOSPHORYLASE KINASE DEFICIENCY OF LIVER AND MUSCLE, AUTOSOMAL RECESSIVE; GLYCOGENOSIS OF LIVER AND MUSCLE, AUTOSOMAL RECESSIVE; GSD IXb. Identifiers: Orphanet 79240, MedGen C0543514, MONDO:0009868, OMIM 261750.
Inborn genetic diseases. Identifiers: MedGen C0950123, MeSH D030342.

Allele frequency attached by ClinVar (database versions not stated): TOPMed 0.00001.
gnomAD v4.1: 47 of 1,613,722 alleles (0.0029%); highest among the groups gnomAD compares: Non-Finnish European, 0.0037%; no homozygotes.

Submissions (2):

Labcorp Genetics (formerly Invitae), Labcorp
Classification: Uncertain significance for Glycogen storage disease IXb. Last evaluated: 2021-08-14. Review status: criteria provided, single submitter. Criteria: Invitae Variant Classification Sherloc (09022015). Collection method: clinical testing. Allele origin: germline.
Comment: This sequence change replaces serine with arginine at codon 314 of the PHKB protein (p.Ser314Arg). The serine residue is moderately conserved and there is a moderate physicochemical difference between serine and arginine. This variant is present in population databases (rs775139159, ExAC 0.01%). This variant has not been reported in the literature in individuals affected with PHKB-related conditions. Algorithms developed to predict the effect of missense changes on protein structure and function (SIFT, PolyPhen-2, Align-GVGD) all suggest that this variant is likely to be tolerated. In summary, the available evidence is currently insufficient to determine the role of this variant in disease. Therefore, it has been classified as a Variant of Uncertain Significance.

Ambry Genetics
Classification: Uncertain significance for Inborn genetic diseases. Last evaluated: 2021-06-11. Review status: criteria provided, single submitter. Criteria: Ambry Variant Classification Scheme 2023. Collection method: clinical testing. Allele origin: germline.